The following is an entry in ClinVar:

ClinVar aggregate classification (germline): Uncertain significance (1 of 4 stars; one submission).

Conditions:
Granulomatous disease, chronic, X-linked. Also called: CYTOCHROME b-NEGATIVE GRANULOMATOUS DISEASE, CHRONIC, X-LINKED; GRANULOMATOUS DISEASE, CHRONIC, X-LINKED, SOMATIC MOSAIC. Identifiers: Orphanet 379, MedGen C1844376, MONDO:0010600, OMIM 306400.

Submission:

Labcorp Genetics (formerly Invitae), Labcorp
Classification: Uncertain significance for Granulomatous disease, chronic, X-linked. Last evaluated: 2025-03-12. Review status: criteria provided, single submitter. Criteria: Invitae Variant Classification Sherloc (09022015). Collection method: clinical testing. Allele origin: germline.
Comment: This sequence change replaces leucine, which is neutral and non-polar, with phenylalanine, which is neutral and non-polar, at codon 281 of the CYBB protein (p.Leu281Phe). This variant is present in population databases (no rsID available, gnomAD no frequency). This variant has not been reported in the literature in individuals affected with CYBB-related conditions. Invitae Evidence Modeling of protein sequence and biophysical properties (such as structural, functional, and spatial information, amino acid conservation, physicochemical variation, residue mobility, and thermodynamic stability) indicates that this missense variant is not expected to disrupt CYBB protein function with a negative predictive value of 80%. In summary, the available evidence is currently insufficient to determine the role of this variant in disease. Therefore, it has been classified as a Variant of Uncertain Significance.

NM_000397.4(CYBB):c.841C>T (p.Leu281Phe)

Gene: CYBB (cytochrome b-245 beta chain; plus strand). Cytogenetic location: Xp11.4.
Variant type: single nucleotide variant.
Coding change: c.841C>T on transcript NM_000397.4 (MANE Select); coding-DNA position 841, C replaced by T.
Protein change: p.Leu281Phe; replaces leucine 281 with phenylalanine.
Molecular consequence: missense variant.
Genome position (GRCh38, 1-based): chrX:37,801,292, C>T. VCF-style: chrX-37801292-C-T. GRCh37 (hg19) VCF-style: chrX-37660545-C-T.
Other names: short protein forms L281F.
Identifiers: ClinVar variation 4763298 (VCV004763298.1).